The following is an entry in ClinVar:

ClinVar aggregate classification (germline): Uncertain significance. Review status: criteria provided, multiple submitters, no conflicts (2 of 4 stars). 2 submissions from 2 submitters: Uncertain significance (2). Last evaluated 2022-12-26.

Conditions:
Severe combined immunodeficiency due to DNA-PKcs deficiency. Also called: IMMUNODEFICIENCY 26 WITH NEUROLOGIC ABNORMALITIES; Immunodeficiency 26 with or without neurologic abnormalities. Identifiers: Orphanet 317425, MedGen C4014833, MONDO:0014423, OMIM 615966.

Allele frequency attached by ClinVar (database versions not stated): gnomAD 0.00001; gnomAD exomes 0.00001; ExAC 0.00003; TOPMed 0.00003; ESP Exome Variant Server 0.00008.
gnomAD v4.1: 15 of 1,590,756 alleles (0.00094%); highest among the groups gnomAD compares: Non-Finnish European, 0.0013%; no homozygotes.

Submissions (2):

Ambry Genetics
Classification: Uncertain significance. Last evaluated: 2022-12-26. Review status: criteria provided, single submitter. Criteria: Ambry Variant Classification Scheme 2023. Collection method: clinical testing. Allele origin: germline.
Comment: The p.D607H variant (also known as c.1819G>C), located in coding exon 17 of the PRKDC gene, results from a G to C substitution at nucleotide position 1819. The aspartic acid at codon 607 is replaced by histidine, an amino acid with similar properties. This amino acid position is conserved. In addition, the in silico prediction for this alteration is inconclusive. Since supporting evidence is limited at this time, the clinical significance of this alteration remains unclear.

Labcorp Genetics (formerly Invitae), Labcorp
Classification: Uncertain significance for Severe combined immunodeficiency due to DNA-PKcs deficiency. Last evaluated: 2022-08-10. Review status: criteria provided, single submitter. Criteria: Invitae Variant Classification Sherloc (09022015). Collection method: clinical testing. Allele origin: germline.
Comment: This sequence change replaces aspartic acid, which is acidic and polar, with histidine, which is basic and polar, at codon 607 of the PRKDC protein (p.Asp607His). This variant is present in population databases (rs375397660, gnomAD 0.003%). This variant has not been reported in the literature in individuals affected with PRKDC-related conditions. ClinVar contains an entry for this variant (Variation ID: 858765). In summary, the available evidence is currently insufficient to determine the role of this variant in disease. Therefore, it has been classified as a Variant of Uncertain Significance.

NM_006904.7(PRKDC):c.1819G>C (p.Asp607His)

Gene: PRKDC (protein kinase, DNA-activated, catalytic subunit; minus strand). Cytogenetic location: 8q11.21.
Variant type: single nucleotide variant.
Coding change: c.1819G>C on transcript NM_006904.7 (MANE Select); coding-DNA position 1819, G replaced by C.
Protein change: p.Asp607His; replaces aspartic acid 607 with histidine.
Molecular consequence: missense variant.
Genome position (GRCh38, 1-based): chr8:47,930,745, C>G on the plus strand (G>C on the coding strand, the complement: PRKDC is on the minus strand). VCF-style: chr8-47930745-C-G. GRCh37 (hg19) VCF-style: chr8-48843305-C-G.
Other names: c.1819G>C, p.Asp607His (NM_001081640.2); short protein forms D607H.
Identifiers: ClinVar variation 858765 (VCV000858765.8), dbSNP rs375397660, ClinGen allele CA4741629.